The following is an entry in ClinVar:

NM_001031689.3(PLAA):c.2371A>C (p.Ile791Leu)

Gene: PLAA (phospholipase A2 activating protein; minus strand). Cytogenetic location: 9p21.2.
Variant type: single nucleotide variant.
Coding change: c.2371A>C on transcript NM_001031689.3 (MANE Select); coding-DNA position 2371, A replaced by C.
Protein change: p.Ile791Leu; replaces isoleucine 791 with leucine.
Molecular consequence: missense variant.
Genome position (GRCh38, 1-based): chr9:26,905,528, T>G on the plus strand (A>C on the coding strand, the complement: PLAA is on the minus strand). VCF-style: chr9-26905528-T-G. GRCh37 (hg19) VCF-style: chr9-26905526-T-G.
Other names: c.2302A>C, p.Ile768Leu (NM_001321546.2); short protein forms I768L, I791L.
Identifiers: ClinVar variation 1435810 (VCV001435810.8), dbSNP rs1824200336, ClinGen allele CA373124527.
Genomic context (GRCh38, chr9:26,905,528, plus strand): 5'-AAAACACTAATCAATTAAAAATATCCGTCCCTCTTCCCCACTGCTACAGCAAATTTAGGA[T>G]AAATCTACAGCATTCACTTACTTTAGCTGGTTCTGATACTGAGGAATACTTTTTTATTTG-3'
Protein context (NP_001026859.1, residues 781-795): PAKVSECCRF[Ile791Leu]LNLL

ClinVar aggregate classification (germline): Uncertain significance (1 of 4 stars; one submission).

Allele frequency attached by ClinVar (database versions not stated): gnomAD exomes below 0.00001.
gnomAD v4.1: 1 of 1,607,344 alleles (0.000062%); highest among the groups gnomAD compares: Admixed American, 0.0017%; no homozygotes.

Submission:

Labcorp Genetics (formerly Invitae), Labcorp
Classification: Uncertain significance. Last evaluated: 2021-02-10. Review status: criteria provided, single submitter. Criteria: Invitae Variant Classification Sherloc (09022015). Collection method: clinical testing. Allele origin: germline.
Comment: In summary, the available evidence is currently insufficient to determine the role of this variant in disease. Therefore, it has been classified as a Variant of Uncertain Significance. Algorithms developed to predict the effect of missense changes on protein structure and function (SIFT, PolyPhen-2, Align-GVGD) all suggest that this variant is likely to be tolerated, but these predictions have not been confirmed by published functional studies and their clinical significance is uncertain. This variant has not been reported in the literature in individuals with PLAA-related conditions. This variant is not present in population databases (ExAC no frequency). This sequence change replaces isoleucine with leucine at codon 791 of the PLAA protein (p.Ile791Leu). The isoleucine residue is weakly conserved and there is a small physicochemical difference between isoleucine and leucine.